The following is an entry in ClinVar:

NM_000089.4(COL1A2):c.2278G>A (p.Gly760Arg)

Gene: COL1A2 (collagen type I alpha 2 chain; plus strand). Cytogenetic location: 7q21.3.
Variant type: single nucleotide variant.
Coding change: c.2278G>A on transcript NM_000089.4 (MANE Select); coding-DNA position 2278, G replaced by A.
Protein change: p.Gly760Arg; replaces glycine 760 with arginine.
Molecular consequence: missense variant.
Genome position (GRCh38, 1-based): chr7:94,420,631, G>A. VCF-style: chr7-94420631-G-A. GRCh37 (hg19) VCF-style: chr7-94049943-G-A.
Other names: short protein forms G760R.
Identifiers: ClinVar variation 641588 (VCV000641588.10), dbSNP rs1584326393, ClinGen allele CA368223611.

ClinVar aggregate classification (germline): Pathogenic (1 of 4 stars; one submission).

Conditions:
Osteogenesis imperfecta type I (OI1). Also called: OI, TYPE I; OSTEOGENESIS IMPERFECTA TARDA; OSTEOGENESIS IMPERFECTA WITH BLUE SCLERAE; Osteogenesis imperfecta type 1; Classic Non-deforming Osteogenesis Imperfecta with Blue Sclerae; Lobstein's Disease. Identifiers: Orphanet 216796, Orphanet 666, MedGen C0023931, MONDO:0008146, OMIM 166200. Disease mechanism: loss of function.
Ehlers-Danlos syndrome, classic type, 1 (EDSCL1). Also called: EDS I; EHLERS-DANLOS SYNDROME, GRAVIS TYPE; EHLERS-DANLOS SYNDROME, SEVERE CLASSIC TYPE; Ehlers-Danlos Syndrome, Classic Type, COL5A1-Related; Ehlers-Danlos syndrome, type 1. Identifiers: MedGen C0268335, MONDO:0019567, OMIM 130000.

Submission:

Labcorp Genetics (formerly Invitae), Labcorp
Classification: Pathogenic for Osteogenesis imperfecta type I; Ehlers-Danlos syndrome, classic type, 1. Last evaluated: 2022-06-04. Review status: criteria provided, single submitter. Criteria: Invitae Variant Classification Sherloc (09022015). Collection method: clinical testing. Allele origin: germline.
Comment: This missense change has been observed in individual(s) with autosomal dominant osteogenesis imperfecta (Invitae). This sequence change replaces glycine, which is neutral and non-polar, with arginine, which is basic and polar, at codon 760 of the COL1A2 protein (p.Gly760Arg). This variant is not present in population databases (gnomAD no frequency). ClinVar contains an entry for this variant (Variation ID: 641588). Advanced modeling of protein sequence and biophysical properties (such as structural, functional, and spatial information, amino acid conservation, physicochemical variation, residue mobility, and thermodynamic stability) performed at Invitae indicates that this missense variant is expected to disrupt COL1A2 protein function. This variant disrupts the triple helix domain of COL1A2. Glycine residues within the Gly-Xaa-Yaa repeats of the triple helix domain are required for the structure and stability of fibrillar collagens (PMID: 7695699, 8218237, 19344236). In COL1A2, variants affecting these glycine residues are significantly enriched in individuals with disease (PMID: 9016532, 17078022) compared to the general population (ExAC). This variant disrupts the p.Gly760 amino acid residue in COL1A2. Other variant(s) that disrupt this residue have been observed in individuals with COL1A2-related conditions (PMID: 23548243), which suggests that this may be a clinically significant amino acid residue. For these reasons, this variant has been classified as Pathogenic.

Literature cited by the submitters: PubMed 7695699; PubMed 8218237; PubMed 19344236; PubMed 9016532; PubMed 17078022; PubMed 23548243.